The following is an entry in ClinVar:

NM_001379200.1(TBX1):c.1381C>T (p.Pro461Ser)

Gene: TBX1 (T-box transcription factor 1; plus strand). Cytogenetic location: 22q11.21.
Variant type: single nucleotide variant.
Coding change: c.1381C>T on transcript NM_001379200.1 (MANE Select); coding-DNA position 1381, C replaced by T.
Protein change: p.Pro461Ser; replaces proline 461 with serine.
Molecular consequence: missense variant. On other transcripts: intron variant (2).
Genome position (GRCh38, 1-based): chr22:19,766,733, C>T. VCF-style: chr22-19766733-C-T. GRCh37 (hg19) VCF-style: chr22-19754256-C-T.
Other names: c.1354C>T, p.Pro452Ser (NM_080647.1); c.1009+731C>T (NM_005992.1, NM_080646.2); short protein forms P452S, P461S.
Identifiers: ClinVar variation 1716532 (VCV001716532.5), dbSNP rs2517859285, ClinGen allele CA410685219.

ClinVar aggregate classification (germline): Uncertain significance (1 of 4 stars; one submission).

Conditions:
DiGeorge syndrome. Also called: Catch22; THIRD AND FOURTH PHARYNGEAL POUCH SYNDROME. Identifiers: Orphanet 567, MedGen C0012236, MONDO:0008564, OMIM 188400.

gnomAD v4.1: 1 of 1,543,128 alleles (0.000065%); highest among the groups gnomAD compares: Non-Finnish European, 0.000087%; no homozygotes.

Submission:

Labcorp Genetics (formerly Invitae), Labcorp
Classification: Uncertain significance for DiGeorge syndrome. Last evaluated: 2022-09-09. Review status: criteria provided, single submitter. Criteria: Invitae Variant Classification Sherloc (09022015). Collection method: clinical testing. Allele origin: germline.
Comment: In summary, the available evidence is currently insufficient to determine the role of this variant in disease. Therefore, it has been classified as a Variant of Uncertain Significance. Algorithms developed to predict the effect of missense changes on protein structure and function are either unavailable or do not agree on the potential impact of this missense change (SIFT: "Tolerated"; PolyPhen-2: "Possibly Damaging"; Align-GVGD: "Class C0"). This variant has not been reported in the literature in individuals affected with TBX1-related conditions. This variant is not present in population databases (gnomAD no frequency). This sequence change replaces proline, which is neutral and non-polar, with serine, which is neutral and polar, at codon 452 of the TBX1 protein (p.Pro452Ser).